The following is an entry in ClinVar:

ClinVar aggregate classification (germline): Conflicting classifications of pathogenicity. Review status: criteria provided, conflicting classifications (1 of 4 stars). 3 submissions from 3 submitters: Likely pathogenic (1); Uncertain significance (2). Last evaluated 2025-07-24.

Allele frequency attached by ClinVar (database versions not stated): TOPMed below 0.00001.
gnomAD v4.1: 1 of 1,607,338 alleles (0.000062%); highest among the groups gnomAD compares: South Asian, 0.0011%; no homozygotes.

Submissions (3):

GeneDx
Classification: Uncertain significance. Last evaluated: 2025-07-24. Review status: criteria provided, single submitter. Criteria: GeneDx Variant Classification Process June 2021. Collection method: clinical testing. Allele origin: germline. Affected: yes.
Comment: Not observed at significant frequency in large population cohorts (gnomAD); In silico analysis supports that this missense variant has a deleterious effect on protein structure/function; Has not been previously published as pathogenic or benign to our knowledge; In silico analysis suggests this variant may impact gene splicing. In the absence of RNA/functional studies, the actual effect of this sequence change is unknown.

Women's Health and Genetics/Laboratory Corporation of America, LabCorp
Classification: Uncertain significance. Last evaluated: 2024-01-23. Review status: criteria provided, single submitter. Criteria: LabCorp Variant Classification Summary - May 2015. Collection method: clinical testing. Allele origin: germline.
Comment: Variant summary: GUSB c.1534G>A (p.Gly512Arg) results in a non-conservative amino acid change in the encoded protein sequence. Five of five in-silico tools predict a damaging effect of the variant on protein function. The frequency data for this variant in gnomAD is considered unreliable, as metrics indicate poor data quality at this position. To our knowledge, no occurrence of c.1534G>A in individuals affected with Mucopolysaccharidosis Type VII (Sly Syndrome) and no experimental evidence demonstrating its impact on protein function have been reported. ClinVar contains an entry for this variant (Variation ID: 193563). Based on the evidence outlined above, the variant was classified as uncertain significance.

Eurofins Ntd Llc (ga)
Classification: Likely pathogenic. Last evaluated: 2014-05-14. Review status: criteria provided, single submitter. Criteria: EGL Classification Definitions 2015. Collection method: clinical testing. Allele origin: germline. Observed: 2 variant alleles, 2 heterozygotes.

NM_000181.4(GUSB):c.1534G>A (p.Gly512Arg)

Genes: GUSB (glucuronidase beta; minus strand), LOC126860055 (MED14-independent group 3 enhancer GRCh37_chr7:65432190-65433389; plus strand). Cytogenetic location: 7q11.21.
Variant type: single nucleotide variant.
Coding change: c.1534G>A on transcript NM_000181.4 (MANE Select); coding-DNA position 1534, G replaced by A.
Protein change: p.Gly512Arg; replaces glycine 512 with arginine.
Molecular consequence: missense variant. On other transcripts: non-coding transcript variant (1).
Genome position (GRCh38, 1-based): chr7:65,967,850, C>T on the plus strand (G>A on the coding strand, the complement: GUSB is on the minus strand). VCF-style: chr7-65967850-C-T. GRCh37 (hg19) VCF-style: chr7-65432837-C-T.
Other names: c.1534G>A (NM_000181.3); c.1096G>A, p.Gly366Arg (NM_001284290.2); c.964G>A, p.Gly322Arg (NM_001293104.2); c.877G>A, p.Gly293Arg (NM_001293105.2); short protein forms G512R, G322R, G293R, G366R.
Identifiers: ClinVar variation 193563 (VCV000193563.7), dbSNP rs794726973, ClinGen allele CA346856.